The following is an entry in ClinVar:

NM_032603.5(LOXL3):c.536G>T (p.Arg179Ile)

Genes: DOK1 (docking protein 1; plus strand), LOXL3 (lysyl oxidase like 3; minus strand). Cytogenetic location: 2p13.1.
Variant type: single nucleotide variant.
Coding change: c.536G>T on transcript NM_032603.5 (MANE Select); coding-DNA position 536, G replaced by T.
Protein change: p.Arg179Ile; replaces arginine 179 with isoleucine.
Molecular consequence: missense variant. On other transcripts: 5 prime UTR variant (1), intron variant (2).
Genome position (GRCh38, 1-based): chr2:74,549,525, C>A on the plus strand (G>T on the coding strand, the complement: LOXL3 is on the minus strand). VCF-style: chr2-74549525-C-A. GRCh37 (hg19) VCF-style: chr2-74776652-C-A.
Other names: c.-328G>T (NM_001289165.2); c.477+660G>T (NM_001289164.3); c.-358+353C>A (NM_001197260.2); short protein forms R179I.
Identifiers: ClinVar variation 2417928 (VCV002417928.41), dbSNP rs1470620333, ClinGen allele CA347395006.

ClinVar aggregate classification (germline): Uncertain significance. Review status: criteria provided, multiple submitters, no conflicts (2 of 4 stars). 2 submissions from 2 submitters: Uncertain significance (2). Last evaluated 2025-08-04.

Allele frequency attached by ClinVar (database versions not stated): gnomAD 0.00001.
gnomAD v4.1: 4 of 1,613,090 alleles (0.00025%); highest among the groups gnomAD compares: Non-Finnish European, 0.00034%; no homozygotes.

Submissions (2):

Ambry Genetics
Classification: Uncertain significance. Last evaluated: 2025-08-04. Review status: criteria provided, single submitter. Criteria: Ambry Variant Classification Scheme 2023. Collection method: clinical testing. Allele origin: germline.

Labcorp Genetics (formerly Invitae), Labcorp
Classification: Uncertain significance. Last evaluated: 2021-12-20. Review status: criteria provided, single submitter. Criteria: Invitae Variant Classification Sherloc (09022015). Collection method: clinical testing. Allele origin: germline.
Comment: This sequence change replaces arginine, which is basic and polar, with isoleucine, which is neutral and non-polar, at codon 179 of the LOXL3 protein (p.Arg179Ile). This variant is not present in population databases (gnomAD no frequency). This variant has not been reported in the literature in individuals affected with LOXL3-related conditions. Algorithms developed to predict the effect of missense changes on protein structure and function are either unavailable or do not agree on the potential impact of this missense change (SIFT: "Deleterious"; PolyPhen-2: "Benign"; Align-GVGD: "Class C0"). In summary, the available evidence is currently insufficient to determine the role of this variant in disease. Therefore, it has been classified as a Variant of Uncertain Significance.